The following is an entry in ClinVar:

ClinVar aggregate classification (germline): Likely benign (0 of 4 stars; one submission).

Conditions:
MKS1-related disorder. Also called: MKS1-related condition; MKS1-related disorders. Identifiers: MedGen CN239382.

Submission:

PreventionGenetics, part of Exact Sciences
Classification: Likely benign for MKS1-related condition. Last evaluated: 2020-12-18. Review status: no assertion criteria provided. Collection method: clinical testing. Allele origin: germline.
Comment: This variant is classified as likely benign based on ACMG/AMP sequence variant interpretation guidelines (Richards et al. 2015 PMID: 25741868, with internal and published modifications).

NM_017777.4(MKS1):c.*97G>A

Gene: MKS1 (MKS transition zone complex subunit 1; minus strand). Cytogenetic location: 17q22.
Variant type: single nucleotide variant.
Coding change: c.*97G>A on transcript NM_017777.4 (MANE Select); 97 bases downstream of the stop codon, G replaced by A.
Molecular consequence: 3 prime UTR variant.
Genome position (GRCh38, 1-based): chr17:58,205,982, C>T on the plus strand (G>A on the coding strand, the complement: MKS1 is on the minus strand). VCF-style: chr17-58205982-C-T. GRCh37 (hg19) VCF-style: chr17-56283343-C-T.
Other names: c.*97G>A (NM_001321268.2); c.*8G>A (NM_001321269.2); c.*189G>A (NM_001330397.2).
Identifiers: ClinVar variation 3358438 (VCV003358438.1).
Genomic context (GRCh38, chr17:58,205,982, plus strand): 5'-AAGGCTAGGCAGAGGGGCCAGCCGGGAATTTCCCAGCTTTTCTGGTTCTCAGCAGACCAA[C>T]GTGGTCTCTAATCAGAAAGACGAAGAGGCAGGAGAGCACTGGCCTCAGATATCCCCCATC-3'